The following is an entry in ClinVar:

NM_000038.6(APC):c.1974_1975del (p.Asn659fs)

Gene: APC (APC regulator of Wnt signaling pathway; plus strand). Cytogenetic location: 5q22.2.
Variant type: Microsatellite.
Coding change: c.1974_1975del on transcript NM_000038.6 (MANE Select); coding-DNA positions 1974 to 1975, 2 bases deleted (GA; older notation c.1974_1975delGA).
Protein change: p.Asn659fs; shifts the reading frame from asparagine 659.
Molecular consequence: frameshift variant.
Genome position (GRCh38, 1-based): chr5:112,837,568-112,837,569, GA deleted; deleting any 2 consecutive bases within chr5:112,837,563-112,837,569 gives the same sequence; the c. name uses the placement nearest the transcript's 3' end. VCF-style (leftmost placement, unchanged base first): chr5-112837562-AAG-A. GRCh37 (hg19) VCF-style: chr5-112173259-AAG-A.
Other names: c.1974_1975del, p.Asn659fs (NM_001127510.3, NM_001354895.2); c.1920_1921del, p.Asn641fs (NM_001127511.3); c.2028_2029del, p.Asn677fs (NM_001354896.2); c.2004_2005del, p.Asn669fs (NM_001354897.2); c.1899_1900del, p.Asn634fs (NM_001354898.2); c.1890_1891del, p.Asn631fs (NM_001354899.2); c.1851_1852del, p.Asn618fs (NM_001354900.2); c.1797_1798del, p.Asn600fs (NM_001354901.2); and 6 more; short protein forms N376fs, N533fs, N558fs, N631fs, N641fs, N659fs, N568fs, N600fs.
Identifiers: ClinVar variation 433630 (VCV000433630.12), dbSNP rs863225322, ClinGen allele CA645372778.

ClinVar aggregate classification (germline): Pathogenic/Likely pathogenic. Review status: criteria provided, multiple submitters, no conflicts (2 of 4 stars). 4 submissions from 4 submitters: Pathogenic (2); Likely pathogenic (1). 1 of the submissions does not count toward it. Last evaluated 2025-12-29.

Conditions:
Familial adenomatous polyposis 1 (FAP1). Also called: POLYPOSIS, ADENOMATOUS INTESTINAL; FAMILIAL ADENOMATOUS POLYPOSIS 1, ATTENUATED. Identifiers: MedGen C2713442, MONDO:0021056, OMIM 175100. Disease mechanism: loss of function.

Submissions (4):

Center for Genomic Medicine, Rigshospitalet, Copenhagen University Hospital
Classification: Likely pathogenic. Last evaluated: 2025-12-29. Review status: criteria provided, single submitter. Criteria: ACMG Guidelines, 2015. Collection method: clinical testing. Allele origin: germline.
Comment: Classification criteria: PVS1, PM2_supporting

Myriad Genetics, Inc.
Classification: Pathogenic for Familial adenomatous polyposis 1. Last evaluated: 2023-05-03. Review status: criteria provided, single submitter. Criteria: Myriad Autosomal Dominant, Autosomal Recessive and X-Linked Classification Criteria (2023). Collection method: clinical testing. Allele origin: unknown.
Comment: This variant is considered pathogenic. This variant creates a frameshift predicted to result in premature protein truncation.

Labcorp Genetics (formerly Invitae), Labcorp
Classification: Pathogenic for Familial adenomatous polyposis 1. Last evaluated: 2018-05-22. Review status: criteria provided, single submitter. Criteria: Invitae Variant Classification Sherloc (09022015). Collection method: clinical testing. Allele origin: germline.
Comment: This sequence change results in a premature translational stop signal in the APC gene (p.Asn659Glnfs*14). While this is not anticipated to result in nonsense mediated decay, it is expected to disrupt the last 2185 amino acids of the APC protein. This variant is not present in population databases (ExAC no frequency). This variant has been observed in two individuals affected with familial adenomatous polyposis (PMID: 10094547, 20685668). This variant is also known as c.1968_1969del in the literature. ClinVar contains an entry for this variant (Variation ID: 433630). Different truncations (p.Ser932*, p.Ala1050Glufs*6, and p.Gln1062*) that lie downstream of this variant have been determined to be pathogenic (PMID: 20685668, 23460355, 15771908). This suggests that deletion of this region of the APC protein is causative of disease. For these reasons, this variant has been classified as Pathogenic.

Department of Pathology and Laboratory Medicine, Sinai Health System
Classification: Pathogenic for Familial adenomatous polyposis 1. Review status: no assertion criteria provided. Collection method: clinical testing. Allele origin: unknown. Affected: yes. Observed: 1 variant allele. Study: The Canadian Open Genetics Repository (COGR). Not counted in ClinVar's aggregate classification.
Comment: The APC p.Asn659GlnfsX14 variant was identified in 1 of 242 proband chromosomes (frequency: 0.008) from individuals or families with familial adenomatous polyposis, and was not identified in 120 control chromosomes from healthy individuals (Giarola 1999, Kohoutova 2002). The p.Asn659GlnfsX14 variant was also identified in HGMD, â€šÃ„ÃºInSiGHT Colon Cancer Databaseâ€šÃ„Ã¹. The p.Asn659GlnfsX14 deletion variant is predicted to cause a frameshift, which alters the protein's amino acid sequence beginning at codon 659 and leads to a premature stop codon at position 672. This alteration is then predicted to result in a truncated or absent protein and loss of function. Loss of function variants of the APC gene are an established mechanism of disease in familial adenomatous polyposis and is the type of variant expected to cause the disorder. In summary, based on the above information, this variant meets our laboratoryâ€šÃ„Ã´s criteria to be classified as pathogenic.

Literature cited by the submitters: PubMed 10094547 (cited by Center for Genomic Medicine, Rigshospitalet, Copenhagen University Hospital and Labcorp Genetics (formerly Invitae), Labcorp); PubMed 20685668 (cited by Labcorp Genetics (formerly Invitae), Labcorp); PubMed 23460355 (cited by Labcorp Genetics (formerly Invitae), Labcorp); PubMed 15771908 (cited by Labcorp Genetics (formerly Invitae), Labcorp).